The following is an entry in ClinVar:

ClinVar aggregate classification (germline): Conflicting classifications of pathogenicity. Review status: criteria provided, conflicting classifications (1 of 4 stars). 5 submissions from 5 submitters: Uncertain significance (2); Likely benign (2). 1 of the submissions does not count toward it. Last evaluated 2026-01-27.

Conditions:
RAPSN-related disorder. Also called: RAPSN-related condition; RAPSN-related disorders. Identifiers: MedGen CN239397.
Congenital myasthenic syndrome 11. Also called: Myasthenic syndrome, congenital, 11, associated with acetylcholine receptor deficiency; MYASTHENIC SYNDROME, CONGENITAL, Ie. Identifiers: Orphanet 590, MedGen C4225367, MONDO:0014588, OMIM 616326.
Fetal akinesia deformation sequence 1 (FADS1). Also called: Fetal akinesia sequence; Pena-Shokeir syndrome type I. Identifiers: Orphanet 994, MedGen C1276035, MONDO:0100101, OMIM 208150, HP:0001989.
Congenital myasthenic syndrome (CMS). Also called: Congenital Myasthenic Syndromes. Identifiers: Orphanet 590, MedGen C0751882, MeSH D020294, MONDO:0018940.

Allele frequency attached by ClinVar (database versions not stated): gnomAD exomes 0.00025; 1000 Genomes Project 30x 0.00031; ExAC 0.00036; gnomAD 0.00023 and 0.00024; TOPMed 0.00024.
gnomAD v4.1: 250 of 1,584,224 alleles (0.016%); highest among the groups gnomAD compares: Middle Eastern, 0.045%; 2 homozygotes.

Submissions (5):

Labcorp Genetics (formerly Invitae), Labcorp
Classification: Likely benign for Congenital myasthenic syndrome 11; Fetal akinesia deformation sequence 1. Last evaluated: 2026-01-27. Review status: criteria provided, single submitter. Criteria: Invitae Variant Classification Sherloc (09022015). Collection method: clinical testing. Allele origin: germline.

PreventionGenetics, part of Exact Sciences
Classification: Likely benign for RAPSN-related condition. Last evaluated: 2025-05-13. Review status: criteria provided, single submitter. Criteria: ACMG Guidelines, 2015. Collection method: clinical testing. Allele origin: germline.
Comment: This variant is classified as likely benign based on ACMG/AMP sequence variant interpretation guidelines (Richards et al. 2015 PMID: 25741868, with internal and published modifications).

Revvity Omics, Revvity
Classification: Uncertain significance. Last evaluated: 2024-08-28. Review status: criteria provided, single submitter. Criteria: ACMG Guidelines, 2015. Collection method: clinical testing. Allele origin: germline.

GeneDx
Classification: Uncertain significance. Last evaluated: 2019-08-30. Review status: criteria provided, single submitter. Criteria: GeneDx Variant Classification Process June 2021. Collection method: clinical testing. Allele origin: germline. Affected: yes.
Comment: In silico analysis, which includes protein predictors and evolutionary conservation, supports a deleterious effect; Has not been previously published as pathogenic or benign to our knowledge

Natera, Inc.
Classification: Benign for Congenital myasthenic syndrome. Last evaluated: 2020-04-13. Review status: no assertion criteria provided. Collection method: clinical testing. Allele origin: germline. Not counted in ClinVar's aggregate classification.

NM_005055.5(RAPSN):c.776G>A (p.Arg259His)

Gene: RAPSN (receptor associated protein of the synapse; minus strand). Cytogenetic location: 11p11.2.
Variant type: single nucleotide variant.
Coding change: c.776G>A on transcript NM_005055.5 (MANE Select); coding-DNA position 776, G replaced by A.
Protein change: p.Arg259His; replaces arginine 259 with histidine.
Molecular consequence: missense variant.
Genome position (GRCh38, 1-based): chr11:47,441,836, C>T on the plus strand (G>A on the coding strand, the complement: RAPSN is on the minus strand). VCF-style: chr11-47441836-C-T. GRCh37 (hg19) VCF-style: chr11-47463388-C-T.
Other names: c.776G>A, p.Arg259His (NM_032645.5); short protein forms R259H.
Identifiers: ClinVar variation 476125 (VCV000476125.18), dbSNP rs766051613, ClinGen allele CA5976642.